The following is an entry in ClinVar:

NM_005733.3(KIF20A):c.1300C>G (p.Leu434Val)

Gene: KIF20A (kinesin family member 20A; plus strand). Cytogenetic location: 5q31.2.
Variant type: single nucleotide variant.
Coding change: c.1300C>G on transcript NM_005733.3 (MANE Select); coding-DNA position 1300, C replaced by G.
Protein change: p.Leu434Val; replaces leucine 434 with valine.
Molecular consequence: missense variant.
Genome position (GRCh38, 1-based): chr5:138,184,053, C>G. VCF-style: chr5-138184053-C-G. GRCh37 (hg19) VCF-style: chr5-137519742-C-G.
Other names: short protein forms L434V.
Identifiers: ClinVar variation 1428843 (VCV001428843.8), dbSNP rs147723176, ClinGen allele CA3426565.

ClinVar aggregate classification (germline): Uncertain significance. Review status: criteria provided, multiple submitters, no conflicts (2 of 4 stars). 2 submissions from 2 submitters: Uncertain significance (2). Last evaluated 2025-06-26.

Allele frequency attached by ClinVar (database versions not stated): ESP Exome Variant Server 0.00008; ExAC 0.00003.
gnomAD v4.1: 88 of 1,614,074 alleles (0.0055%); highest among the groups gnomAD compares: Non-Finnish European, 0.007%; 1 homozygote.

Submissions (2):

Dasa
Classification: Uncertain significance. Last evaluated: 2025-06-26. Review status: criteria provided, single submitter. Criteria: DASA Assertion Criteria. Collection method: clinical testing. Allele origin: germline.
Comment: NM_005733.3(KIF20A):c.1300C>G (p.Leu434Val) is a missense variant that results in the substitution of leucine with valine. This variant is rare in population databases. Computational prediction algorithms are consistent with a deleterious effect. The currently available literature and clinical evidence are not sufficient to establish a definitive association between this variant and the reported condition. Therefore, this variant is classified as a variant of uncertain significance.

Labcorp Genetics (formerly Invitae), Labcorp
Classification: Uncertain significance. Last evaluated: 2024-12-26. Review status: criteria provided, single submitter. Criteria: Invitae Variant Classification Sherloc (09022015). Collection method: clinical testing. Allele origin: germline.
Comment: This sequence change replaces leucine, which is neutral and non-polar, with valine, which is neutral and non-polar, at codon 434 of the KIF20A protein (p.Leu434Val). This variant is present in population databases (rs147723176, gnomAD 0.008%). This variant has not been reported in the literature in individuals affected with KIF20A-related conditions. ClinVar contains an entry for this variant (Variation ID: 1428843). An algorithm developed to predict the effect of missense changes on protein structure and function (PolyPhen-2) suggests that this variant is likely to be disruptive. In summary, the available evidence is currently insufficient to determine the role of this variant in disease. Therefore, it has been classified as a Variant of Uncertain Significance.